The following is an entry in ClinVar:

ClinVar aggregate classification (germline): Uncertain significance. Review status: criteria provided, multiple submitters, no conflicts (2 of 4 stars). 2 submissions from 2 submitters: Uncertain significance (2). Last evaluated 2023-07-17.

Allele frequency attached by ClinVar (database versions not stated): TOPMed below 0.00001; gnomAD 0.00001.
gnomAD v4.1: 1 of 1,614,124 alleles (0.000062%); highest among the groups gnomAD compares: Non-Finnish European, 0.000085%; no homozygotes.

Submissions (2):

Labcorp Genetics (formerly Invitae), Labcorp
Classification: Uncertain significance. Last evaluated: 2023-07-17. Review status: criteria provided, single submitter. Criteria: Invitae Variant Classification Sherloc (09022015). Collection method: clinical testing. Allele origin: germline.
Comment: This sequence change replaces cysteine, which is neutral and slightly polar, with arginine, which is basic and polar, at codon 264 of the NLRP1 protein (p.Cys264Arg). In summary, the available evidence is currently insufficient to determine the role of this variant in disease. Therefore, it has been classified as a Variant of Uncertain Significance. Algorithms developed to predict the effect of missense changes on protein structure and function output the following: SIFT: "Not Available"; PolyPhen-2: "Benign"; Align-GVGD: "Not Available". The arginine amino acid residue is found in multiple mammalian species, which suggests that this missense change does not adversely affect protein function. ClinVar contains an entry for this variant (Variation ID: 916439). This variant has not been reported in the literature in individuals affected with NLRP1-related conditions. This variant is not present in population databases (gnomAD no frequency).

CeGaT Center for Human Genetics Tuebingen
Classification: Uncertain significance. Last evaluated: 2020-02-01. Review status: criteria provided, single submitter. Criteria: CeGaT Center For Human Genetics Tuebingen Variant Classification Criteria Version 2. Collection method: clinical testing. Allele origin: germline. Affected: yes. Observed: 1 variant allele.

NM_033004.4(NLRP1):c.790T>C (p.Cys264Arg)

Gene: NLRP1 (NLR family pyrin domain containing 1; minus strand). Cytogenetic location: 17p13.2.
Variant type: single nucleotide variant.
Coding change: c.790T>C on transcript NM_033004.4 (MANE Select); coding-DNA position 790, T replaced by C.
Protein change: p.Cys264Arg; replaces cysteine 264 with arginine.
Molecular consequence: missense variant.
Genome position (GRCh38, 1-based): chr17:5,559,906, A>G on the plus strand (T>C on the coding strand, the complement: NLRP1 is on the minus strand). VCF-style: chr17-5559906-A-G. GRCh37 (hg19) VCF-style: chr17-5463226-A-G.
Other names: c.790T>C, p.Cys264Arg (NM_001033053.3, NM_014922.5, NM_033006.4 and 1 more transcripts); short protein forms C264R.
Identifiers: ClinVar variation 916439 (VCV000916439.46), dbSNP rs1914533218, ClinGen allele CA397388026.